The following is an entry in ClinVar:

NM_000483.5(APOC2):c.193C>T (p.Pro65Ser)

Genes: APOC2 (apolipoprotein C2; plus strand), APOC4-APOC2 (APOC4-APOC2 readthrough (NMD candidate); plus strand). Cytogenetic location: 19q13.32.
Variant type: single nucleotide variant.
Coding change: c.193C>T on transcript NM_000483.5 (MANE Select); coding-DNA position 193, C replaced by T.
Protein change: p.Pro65Ser; replaces proline 65 with serine.
Molecular consequence: missense variant. On other transcripts: non-coding transcript variant (1).
Genome position (GRCh38, 1-based): chr19:44,948,838, C>T. VCF-style: chr19-44948838-C-T. GRCh37 (hg19) VCF-style: chr19-45452095-C-T.
Other names: short protein forms P65S.
Identifiers: ClinVar variation 2625085 (VCV002625085.2), dbSNP rs1970351768, ClinGen allele CA406294639.
Genomic context (GRCh38, chr19:44,948,838, plus strand): 5'-TCCAGTTACTGGGAGTCAGCAAAGACAGCCGCCCAGAACCTGTACGAGAAGACATACCTG[C>T]CCGCTGTAGATGAGAAACTCAGGTAGCACCTGCCCCTGGAGAAATGGGGTCTGGCCCATA-3'
Protein context (NP_000474.2, residues 55-75): AQNLYEKTYL[Pro65Ser]AVDEKLRDLY

ClinVar aggregate classification (germline): Uncertain significance (1 of 4 stars; one submission).

Conditions:
Cardiovascular phenotype. Identifiers: MedGen CN230736.

Submission:

Ambry Genetics
Classification: Uncertain significance for Cardiovascular phenotype. Last evaluated: 2023-08-25. Review status: criteria provided, single submitter. Criteria: Ambry Variant Classification Scheme 2023. Collection method: clinical testing. Allele origin: germline.
Comment: The p.P65S variant (also known as c.193C>T), located in coding exon 2 of the APOC2 gene, results from a C to T substitution at nucleotide position 193. The proline at codon 65 is replaced by serine, an amino acid with similar properties. This amino acid position is conserved. In addition, this alteration is predicted to be tolerated by in silico analysis. Since supporting evidence is limited at this time, the clinical significance of this alteration remains unclear.